The following is an entry in ClinVar:

NC_000002.11:g.(?_32353457)_(32353568_?)dup

Gene: SPAST (spastin; plus strand). Cytogenetic location: 2p22.3.
Variant type: Duplication.
Identifiers: ClinVar variation 2426011 (VCV002426011.4).

ClinVar aggregate classification (germline): Pathogenic (1 of 4 stars; one submission).

Conditions:
Hereditary spastic paraplegia 4. Also called: Spastic paraplegia 4, autosomal dominant; Spastic Paraplegia 4; Familial spastic paraplegia autosomal dominant 2. Identifiers: Orphanet 100985, MedGen C1866855, MONDO:0008438, OMIM 182601.

Submission:

Labcorp Genetics (formerly Invitae), Labcorp
Classification: Pathogenic for Hereditary spastic paraplegia 4. Last evaluated: 2022-12-15. Review status: criteria provided, single submitter. Criteria: Invitae Variant Classification Sherloc (09022015). Collection method: clinical testing. Allele origin: germline.
Comment: Algorithms developed to predict the effect of variants on protein structure and function are not available or were not evaluated for this variant. For these reasons, this variant has been classified as Pathogenic. Experimental studies are conflicting or provide insufficient evidence to determine the effect of this variant on SPAST function (PMID: 25065914). A similar copy number variant has been observed in individuals with clinical features of hereditary spastic paraplegia (PMID: 25065914; Invitae). It has also been observed to segregate with disease in related individuals. This variant results in a copy number gain of the genomic region encompassing exon(s) 9 of the SPAST gene. While the exact position of this variant cannot be determined from the data, sub-genic copy number gains are generally in tandem (PMID: 25640679). This variant is predicted to be in-frame, and likely preserves the integrity of the reading frame.

Literature cited by the submitters: PubMed 25065914; PubMed 25640679.